The following is an entry in ClinVar:

ClinVar aggregate classification (germline): Uncertain significance (1 of 4 stars; one submission).

Conditions:
Sponastrime dysplasia. Also called: SPONDYLAR AND NASAL ALTERATIONS WITH STRIATED METAPHYSES. Identifiers: Orphanet 93357, MedGen C1300260, MONDO:0010068, OMIM 271510.

Submission:

Kasturba Medical College, Manipal, Kasturba Medical College, Manipal, Manipal Academy of Higher Education, Manipal, India
Classification: Uncertain significance for Sponastrime dysplasia. Last evaluated: 2026-09-21. Review status: criteria provided, single submitter. Criteria: ACMG Guidelines, 2015. Collection method: research. Allele origin: paternal. Inheritance: Autosomal recessive inheritance. Affected: yes. Observed: 1 variant allele, 1 heterozygote.
Comment: This variant is present in three individuals in heterozygous state and absent in homozygous state in gnomAD (v4.1.1) population database. The same variant is absent in heterozygous and/or homozygous state in our in-house database of 4415 individuals. SpliceAI was consistent in predicting the variant to cause aberrant splicing (acceptor loss delta score = 0.33; acceptor gain delta score = 0.76).

NM_013432.5(TONSL):c.2853-48_2853-13del

Genes: TONSL (tonsoku like, DNA repair protein; minus strand), TONSL-AS1 (TONSL antisense RNA 1; plus strand). Cytogenetic location: 8q24.3.
Variant type: Deletion.
Coding change: c.2853-48_2853-13del on transcript NM_013432.5 (MANE Select); 48 bases into the intron before coding-DNA position 2853 through 13 bases into the intron before coding-DNA position 2853, 36 bases deleted.
Molecular consequence: intron variant. On other transcripts: non-coding transcript variant (1).
Genome position (GRCh38, 1-based): chr8:144,435,183-144,435,218, 36 bases deleted; deleting any 36 consecutive bases within chr8:144,435,183-144,435,219 gives the same sequence; the c. name uses the placement nearest the transcript's 3' end. GRCh37 (hg19): chr8:145,660,567-145,660,602.
Identifiers: ClinVar variation 5021450 (VCV005021450.1).